The following is an entry in ClinVar:

NM_005732.4(RAD50):c.2869T>C (p.Tyr957His)

Gene: RAD50 (RAD50 double strand break repair protein; plus strand). Cytogenetic location: 5q31.1.
Variant type: single nucleotide variant.
Coding change: c.2869T>C on transcript NM_005732.4 (MANE Select); coding-DNA position 2869, T replaced by C.
Protein change: p.Tyr957His; replaces tyrosine 957 with histidine.
Molecular consequence: missense variant.
Genome position (GRCh38, 1-based): chr5:132,609,156, T>C. VCF-style: chr5-132609156-T-C. GRCh37 (hg19) VCF-style: chr5-131944848-T-C.
Other names: short protein forms Y957H.
Identifiers: ClinVar variation 1491796 (VCV001491796.8), dbSNP rs2149849688, ClinGen allele CA360959630.

ClinVar aggregate classification (germline): Uncertain significance (1 of 4 stars; one submission).

Conditions:
Hereditary cancer-predisposing syndrome. Also called: Tumor predisposition; Hereditary neoplastic syndrome; Neoplastic Syndromes, Hereditary; Hereditary Cancer Syndrome. Identifiers: Orphanet 140162, MedGen C0027672, MeSH D009386, MONDO:0015356.

Submission:

Labcorp Genetics (formerly Invitae), Labcorp
Classification: Uncertain significance for Hereditary cancer-predisposing syndrome. Last evaluated: 2025-07-09. Review status: criteria provided, single submitter. Criteria: Invitae Variant Classification Sherloc (09022015). Collection method: clinical testing. Allele origin: germline.
Comment: This sequence change replaces tyrosine, which is neutral and polar, with histidine, which is basic and polar, at codon 957 of the RAD50 protein (p.Tyr957His). This variant is not present in population databases (gnomAD no frequency). This variant has not been reported in the literature in individuals affected with RAD50-related conditions. ClinVar contains an entry for this variant (Variation ID: 1491796). Invitae Evidence Modeling of protein sequence and biophysical properties (such as structural, functional, and spatial information, amino acid conservation, physicochemical variation, residue mobility, and thermodynamic stability) indicates that this missense variant is not expected to disrupt RAD50 protein function with a negative predictive value of 80%. In summary, the available evidence is currently insufficient to determine the role of this variant in disease. Therefore, it has been classified as a Variant of Uncertain Significance.